The following is an entry in ClinVar:

NM_000038.6(APC):c.8128A>G (p.Ser2710Gly)

Gene: APC (APC regulator of Wnt signaling pathway; plus strand). Cytogenetic location: 5q22.2.
Variant type: single nucleotide variant.
Coding change: c.8128A>G on transcript NM_000038.6 (MANE Select); coding-DNA position 8128, A replaced by G.
Protein change: p.Ser2710Gly; replaces serine 2710 with glycine.
Molecular consequence: missense variant. On other transcripts: non-coding transcript variant (2).
Genome position (GRCh38, 1-based): chr5:112,843,722, A>G. VCF-style: chr5-112843722-A-G. GRCh37 (hg19) VCF-style: chr5-112179419-A-G.
Other names: c.8128A>G, p.Ser2710Gly (NM_001127510.3, NM_001354895.2, NM_001407450.1); c.8074A>G, p.Ser2692Gly (NM_001127511.3); c.8182A>G, p.Ser2728Gly (NM_001354896.2, NM_001407447.1, NM_001407448.1 and 1 more transcripts); c.8158A>G, p.Ser2720Gly (NM_001354897.2); c.8053A>G, p.Ser2685Gly (NM_001354898.2); c.8044A>G, p.Ser2682Gly (NM_001354899.2); c.8005A>G, p.Ser2669Gly (NM_001354900.2); c.7951A>G, p.Ser2651Gly (NM_001354901.2, NM_001407453.1); and 12 more; short protein forms S2609G, S2619G, S2651G, S2669G, S2703G, S2710G, S2720G, S2728G.
Identifiers: ClinVar variation 2836071 (VCV002836071.4), dbSNP rs760472102, ClinGen allele CA16038986.

ClinVar aggregate classification (germline): Uncertain significance. Review status: criteria provided, multiple submitters, no conflicts (2 of 4 stars). 2 submissions from 2 submitters: Uncertain significance (2). Last evaluated 2024-02-20.

Conditions:
Familial adenomatous polyposis 1 (FAP1). Also called: POLYPOSIS, ADENOMATOUS INTESTINAL; FAMILIAL ADENOMATOUS POLYPOSIS 1, ATTENUATED. Identifiers: MedGen C2713442, MONDO:0021056, OMIM 175100. Disease mechanism: loss of function.
Hereditary cancer-predisposing syndrome. Also called: Tumor predisposition; Neoplastic Syndromes, Hereditary; Hereditary Cancer Syndrome; Hereditary neoplastic syndrome. Identifiers: Orphanet 140162, MedGen C0027672, MeSH D009386, MONDO:0015356.

gnomAD v4.1: 1 of 1,614,126 alleles (0.000062%); no homozygotes.

Submissions (2):

Ambry Genetics
Classification: Uncertain significance for Hereditary cancer-predisposing syndrome. Last evaluated: 2024-02-20. Review status: criteria provided, single submitter. Criteria: Ambry Variant Classification Scheme 2023. Collection method: clinical testing. Allele origin: germline.
Comment: The p.S2710G variant (also known as c.8128A>G), located in coding exon 15 of the APC gene, results from an A to G substitution at nucleotide position 8128. The serine at codon 2710 is replaced by glycine, an amino acid with similar properties. This amino acid position is conserved. In addition, in silico predictors for this gene do not accurately predict pathogenicity. Based on the available evidence, the clinical significance of this alteration remains unclear.

Labcorp Genetics (formerly Invitae), Labcorp
Classification: Uncertain significance for Familial adenomatous polyposis 1. Last evaluated: 2023-02-10. Review status: criteria provided, single submitter. Criteria: Invitae Variant Classification Sherloc (09022015). Collection method: clinical testing. Allele origin: germline.
Comment: This sequence change replaces serine, which is neutral and polar, with glycine, which is neutral and non-polar, at codon 2710 of the APC protein (p.Ser2710Gly). This variant is not present in population databases (gnomAD no frequency). This variant has not been reported in the literature in individuals affected with APC-related conditions. Advanced modeling of protein sequence and biophysical properties (such as structural, functional, and spatial information, amino acid conservation, physicochemical variation, residue mobility, and thermodynamic stability) performed at Invitae indicates that this missense variant is not expected to disrupt APC protein function. In summary, the available evidence is currently insufficient to determine the role of this variant in disease. Therefore, it has been classified as a Variant of Uncertain Significance.